The following is an entry in ClinVar:

NM_017514.5(PLXNA3):c.1209G>C (p.Gly403=)

Gene: PLXNA3 (plexin A3; plus strand). Cytogenetic location: Xq28.
Variant type: single nucleotide variant.
Coding change: c.1209G>C on transcript NM_017514.5 (MANE Select); coding-DNA position 1209, G replaced by C.
Protein change: p.Gly403=; no amino-acid change (glycine 403 retained).
Molecular consequence: synonymous variant.
Genome position (GRCh38, 1-based): chrX:154,462,202, G>C. VCF-style: chrX-154462202-G-C. GRCh37 (hg19) VCF-style: chrX-153690542-G-C.
Identifiers: ClinVar variation 4997017 (VCV004997017.1).
Genomic context (GRCh38, chrX:154,462,202, plus strand): 5'-CGGCAACTTCTGTGGGCTGGTGTTGAACCAGCCTCTGGGAGGCCTGCATGTGATCGAGGG[G>C]CTGCCCCTGCTGGCCGACAGCACCGACGGCATGGCCAGCGTGGCCGCCTACACCTACCGC-3'
Protein context (NP_059984.3, residues 393-413): QPLGGLHVIE[Gly403=]LPLLADSTDG

ClinVar aggregate classification (germline): Likely benign (1 of 4 stars; one submission).

Conditions:
PLXNA3-related disorder. Also called: PLXNA3-related condition.

Submission:

PreventionGenetics, part of Exact Sciences
Classification: Likely benign for PLXNA3-related condition. Last evaluated: 2025-06-02. Review status: criteria provided, single submitter. Criteria: ACMG Guidelines, 2015. Collection method: clinical testing. Allele origin: germline.
Comment: This variant is classified as likely benign based on ACMG/AMP sequence variant interpretation guidelines (Richards et al. 2015 PMID: 25741868, with internal and published modifications).